The following is an entry in ClinVar:

NM_018192.4(P3H2):c.1548+1G>A

Gene: P3H2 (prolyl 3-hydroxylase 2; minus strand). Cytogenetic location: 3q28.
Variant type: single nucleotide variant.
Coding change: c.1548+1G>A on transcript NM_018192.4 (MANE Select); the canonical splice donor site of the intron after coding-DNA position 1548, G replaced by A.
Molecular consequence: splice donor variant.
Genome position (GRCh38, 1-based): chr3:189,973,908, C>T on the plus strand (G>A on the coding strand, the complement: P3H2 is on the minus strand). VCF-style: chr3-189973908-C-T. GRCh37 (hg19) VCF-style: chr3-189691697-C-T.
Other names: c.1005+1G>A (NM_001134418.2).
Identifiers: ClinVar variation 4712350 (VCV004712350.1).
Genomic context (GRCh38, chr3:189,973,908, plus strand): 5'-ATTTACAGAAGCCTTAGGCTGACACTAAGGAACTCAAACCCAAAAGAAGTTAAGACTTTA[C>T]TTTGAGTGCTTTCAGGACAGTTGCACCTTCAAACTTTTCATTGGGTGTATGGGGTGAAGT-3'

ClinVar aggregate classification (germline): Likely pathogenic (1 of 4 stars; one submission).

Submission:

Labcorp Genetics (formerly Invitae), Labcorp
Classification: Likely pathogenic. Last evaluated: 2025-02-04. Review status: criteria provided, single submitter. Criteria: Invitae Variant Classification Sherloc (09022015). Collection method: clinical testing. Allele origin: germline.
Comment: This sequence change affects a donor splice site in intron 10 of the P3H2 gene. It is expected to disrupt RNA splicing. Variants that disrupt the donor or acceptor splice site typically lead to a loss of protein function (PMID: 16199547), and loss-of-function variants in P3H2 are known to be pathogenic (PMID: 24172257, 25469533). This variant is not present in population databases (gnomAD no frequency). This variant has not been reported in the literature in individuals affected with P3H2-related conditions. Algorithms developed to predict the effect of sequence changes on RNA splicing suggest that this variant may disrupt the consensus splice site. In summary, the currently available evidence indicates that the variant is pathogenic, but additional data are needed to prove that conclusively. Therefore, this variant has been classified as Likely Pathogenic.

Literature cited by the submitters: PubMed 16199547; PubMed 24172257; PubMed 25469533.